The following is an entry in ClinVar:

ClinVar aggregate classification (germline): Benign/Likely benign. Review status: criteria provided, multiple submitters, no conflicts (2 of 4 stars). 2 submissions from 2 submitters: Benign (1); Likely benign (1). Last evaluated 2026-06-29.

Conditions:
Sessile serrated polyposis cancer syndrome (SSPCS). Identifiers: Orphanet 157798, MedGen C4310714, MONDO:0014919, OMIM 617108.

Submissions (2):

Myriad Genetics, Inc.
Classification: Benign for Sessile serrated polyposis cancer syndrome. Last evaluated: 2026-06-29. Review status: criteria provided, single submitter. Criteria: Myriad Autosomal Dominant, Autosomal Recessive and X-Linked Classification Criteria (2023). Collection method: clinical testing. Allele origin: unknown.
Comment: This variant is considered benign. This variant is a silent/synonymous amino acid change and it is not expected to impact splicing.

Ambry Genetics
Classification: Likely benign. Last evaluated: 2026-06-18. Review status: criteria provided, single submitter. Criteria: Ambry Variant Classification Scheme 2023. Collection method: clinical testing. Allele origin: germline.

NM_017763.6(RNF43):c.414C>G (p.Leu138=)

Gene: RNF43 (ring finger protein 43; minus strand). Cytogenetic location: 17q22.
Variant type: single nucleotide variant.
Coding change: c.414C>G on transcript NM_017763.6 (MANE Select); coding-DNA position 414, C replaced by G.
Protein change: p.Leu138=; no amino-acid change (leucine 138 retained).
Molecular consequence: synonymous variant.
Genome position (GRCh38, 1-based): chr17:58,363,562, G>C on the plus strand (C>G on the coding strand, the complement: RNF43 is on the minus strand). VCF-style: chr17-58363562-G-C. GRCh37 (hg19) VCF-style: chr17-56440923-G-C.
Other names: c.414C>G (NM_017763.4); c.414C>G, p.Leu138= (NM_001305544.3, NM_001438820.1, NM_001438821.1 and 1 more transcripts); c.33C>G, p.Leu11= (NM_001305545.2, NM_001437987.1).
Identifiers: ClinVar variation 4875725 (VCV004875725.2).